The following is an entry in ClinVar:

ClinVar aggregate classification (germline): Conflicting classifications of pathogenicity. Review status: criteria provided, conflicting classifications (1 of 4 stars). 5 submissions from 5 submitters: Uncertain significance (4); Likely benign (1). Last evaluated 2026-06-09.

Conditions:
PLEC-related disorder. Also called: PLEC-related disorders; PLEC-related condition.
Epidermolysis bullosa simplex 5B, with muscular dystrophy (EBS5B). Also called: EPIDERMOLYSIS BULLOSA SIMPLEX AND LIMB-GIRDLE MUSCULAR DYSTROPHY; Epidermolysis bullosa simplex with muscular dystrophy. Identifiers: Orphanet 257, MedGen C2931072, MONDO:0009181, OMIM 226670.
Epidermolysis bullosa simplex, Ogna type (EBS5A). Also called: Pidermolysis bullosa simplex 5A, Ogna type; EPIDERMOLYSIS BULLOSA SIMPLEX 5A, OGNA TYPE. Identifiers: Orphanet 79401, MedGen C0432317, MONDO:0007555, OMIM 131950.
Epidermolysis bullosa simplex 5C, with pyloric atresia (EBS5C). Also called: PLEC1-Related Epidermolysis Bullosa with Pyloric Atresia; PLEC-Related Epidermolysis Bullosa with Pyloric Atresia; Epidermolysis bullosa simplex with pyloric atresia. Identifiers: Orphanet 158684, MedGen C2677349, MONDO:0012807, OMIM 612138.
Epidermolysis bullosa simplex with nail dystrophy (EBS5D). Identifiers: MedGen C4225309, MONDO:0014661, OMIM 616487.
Autosomal recessive limb-girdle muscular dystrophy type 2Q (LGMDR17). Also called: MUSCULAR DYSTROPHY, LIMB-GIRDLE, AUTOSOMAL RECESSIVE 17. Identifiers: Orphanet 254361, MedGen C3150989, MONDO:0013390, OMIM 613723.
Inborn genetic diseases. Identifiers: MedGen C0950123, MeSH D030342.

Allele frequency attached by ClinVar (database versions not stated): TOPMed 0.00004; ExAC 0.00006; gnomAD exomes 0.00006; 1000 Genomes Project 0.00020; 1000 Genomes Project 30x 0.00031.
gnomAD v4.1: 38 of 1,612,788 alleles (0.0024%); highest among the groups gnomAD compares: Admixed American, 0.028%; 1 homozygote.

Submissions (5):

PreventionGenetics, part of Exact Sciences
Classification: Uncertain significance for PLEC-related condition. Last evaluated: 2026-06-09. Review status: criteria provided, single submitter. Criteria: ACMG Guidelines, 2015. Collection method: clinical testing. Allele origin: germline.
Comment: The PLEC c.10106C>T variant is predicted to result in the amino acid substitution p.Ser3369Leu. To our knowledge, this variant has not been reported in the literature. This variant is reported in 0.032% of alleles in individuals of Latino descent in gnomAD. At this time, the clinical significance of this variant is uncertain due to the absence of conclusive functional and genetic evidence.

CeGaT Center for Human Genetics Tuebingen
Classification: Likely benign. Last evaluated: 2026-03-01. Review status: criteria provided, single submitter. Criteria: CeGaT Center For Human Genetics Tuebingen Variant Classification Criteria Version 2. Collection method: clinical testing. Allele origin: germline. Affected: yes. Observed: 1 variant allele.
Comment: PLEC: BP4, BS2

Labcorp Genetics (formerly Invitae), Labcorp
Classification: Uncertain significance for Autosomal recessive limb-girdle muscular dystrophy type 2Q; Epidermolysis bullosa simplex, Ogna type; Epidermolysis bullosa simplex with nail dystrophy; Epidermolysis bullosa simplex 5C, with pyloric atresia; Epidermolysis bullosa simplex 5B, with muscular dystrophy. Last evaluated: 2026-01-17. Review status: criteria provided, single submitter. Criteria: Invitae Variant Classification Sherloc (09022015). Collection method: clinical testing. Allele origin: germline.
Comment: This sequence change replaces serine, which is neutral and polar, with leucine, which is neutral and non-polar, at codon 3369 of the PLEC protein (p.Ser3369Leu). This variant is present in population databases (rs538702691, gnomAD 0.03%), including at least one homozygous and/or hemizygous individual. This variant has not been reported in the literature in individuals affected with PLEC-related conditions. ClinVar contains an entry for this variant (Variation ID: 538939). An algorithm developed to predict the effect of missense changes on protein structure and function (PolyPhen-2) suggests that this variant is likely to be tolerated. In summary, the available evidence is currently insufficient to determine the role of this variant in disease. Therefore, it has been classified as a Variant of Uncertain Significance.

Revvity Omics, Revvity
Classification: Uncertain significance. Last evaluated: 2024-12-04. Review status: criteria provided, single submitter. Criteria: ACMG Guidelines, 2015. Collection method: clinical testing. Allele origin: germline.

Ambry Genetics
Classification: Uncertain significance for Inborn genetic diseases. Last evaluated: 2024-05-15. Review status: criteria provided, single submitter. Criteria: Ambry Variant Classification Scheme 2023. Collection method: clinical testing. Allele origin: germline.

NM_201384.3(PLEC):c.10025C>T (p.Ser3342Leu)

Gene: PLEC (plectin; minus strand). Cytogenetic location: 8q24.3.
Variant type: single nucleotide variant.
Coding change: c.10025C>T on transcript NM_201384.3 (MANE Select); coding-DNA position 10025, C replaced by T.
Protein change: p.Ser3342Leu; replaces serine 3342 with leucine.
Molecular consequence: missense variant.
Genome position (GRCh38, 1-based): chr8:143,919,796, G>A on the plus strand (C>T on the coding strand, the complement: PLEC is on the minus strand). VCF-style: chr8-143919796-G-A. GRCh37 (hg19) VCF-style: chr8-144993964-G-A.
Other names: c.10106C>T, p.Ser3369Leu (NM_000445.5); c.9983C>T, p.Ser3328Leu (NM_201378.4); c.9959C>T, p.Ser3320Leu (NM_201379.3); c.10436C>T, p.Ser3479Leu (NM_201380.4); c.9929C>T, p.Ser3310Leu (NM_201381.3); c.10025C>T, p.Ser3342Leu (NM_201382.4); c.10037C>T, p.Ser3346Leu (NM_201383.3); c.10106C>T (NM_000445.3); short protein forms S3320L, S3479L, S3310L, S3328L, S3346L, S3369L, S3342L.
Identifiers: ClinVar variation 538939 (VCV000538939.18), dbSNP rs538702691, ClinGen allele CA4924784.